The following is an entry in ClinVar:

ClinVar aggregate classification (germline): Conflicting classifications of pathogenicity. Review status: criteria provided, conflicting classifications (1 of 4 stars). 7 submissions from 7 submitters: Uncertain significance (4); Likely benign (2). 1 of the submissions does not count toward it. Last evaluated 2025-12-24.

Conditions:
Hereditary breast ovarian cancer syndrome. Also called: Hereditary breast and ovarian cancer syndrome; Hereditary breast and ovarian cancer; Hereditary breast and ovarian cancer syndrome (HBOC); Breast and ovarian cancer; Hereditary breast and/or ovarian cancer syndrome; BRCA1- and BRCA2-Associated Hereditary Breast and Ovarian Cancer. Identifiers: Orphanet 145, MedGen C0677776, MeSH D061325, MONDO:0003582. Disease mechanism: loss of function.
Hereditary cancer-predisposing syndrome. Also called: Neoplastic Syndromes, Hereditary; Tumor predisposition; Hereditary neoplastic syndrome; Hereditary Cancer Syndrome. Identifiers: Orphanet 140162, MedGen C0027672, MeSH D009386, MONDO:0015356.
Breast-ovarian cancer, familial, susceptibility to, 2 (BROVCA2). Also called: BRCA2 Hereditary Breast and Ovarian Cancer. Identifiers: Orphanet 145, MedGen C2675520, MONDO:0012933, OMIM 612555. Disease mechanism: loss of function.

Allele frequency attached by ClinVar (database versions not stated): TOPMed 0.00001.
gnomAD v4.1: 1 of 1,613,890 alleles (0.000062%); highest among the groups gnomAD compares: African/African-American, 0.0013%; no homozygotes.

Submissions (7):

Labcorp Genetics (formerly Invitae), Labcorp
Classification: Uncertain significance for Hereditary breast ovarian cancer syndrome. Last evaluated: 2025-12-24. Review status: criteria provided, single submitter. Criteria: Invitae Variant Classification Sherloc (09022015). Collection method: clinical testing. Allele origin: germline.
Comment: This sequence change replaces aspartic acid, which is acidic and polar, with glycine, which is neutral and non-polar, at codon 1601 of the BRCA2 protein (p.Asp1601Gly). This variant is not present in population databases (gnomAD no frequency). This variant has not been reported in the literature in individuals affected with BRCA2-related conditions. ClinVar contains an entry for this variant (Variation ID: 51717). Invitae Evidence Modeling of protein sequence and biophysical properties (such as structural, functional, and spatial information, amino acid conservation, physicochemical variation, residue mobility, and thermodynamic stability) indicates that this missense variant is not expected to disrupt BRCA2 protein function with a negative predictive value of 95%. In summary, the available evidence is currently insufficient to determine the role of this variant in disease. Therefore, it has been classified as a Variant of Uncertain Significance.

Color Diagnostics, LLC DBA Color Health
Classification: Uncertain significance for Hereditary cancer-predisposing syndrome. Last evaluated: 2025-08-04. Review status: criteria provided, single submitter. Criteria: ACMG Guidelines, 2015. Collection method: clinical testing. Allele origin: germline.
Comment: This missense variant replaces aspartic acid with glycine at codon 1601 of the BRCA2 protein. Computational prediction suggests that this variant may not impact protein structure and function. To our knowledge, functional studies have not been reported for this variant. This variant has not been reported in individuals affected with BRCA2-related disorders in the literature. This variant has not been identified in the general population by the Genome Aggregation Database (gnomAD). The available evidence is insufficient to determine the role of this variant in disease conclusively. Therefore, this variant is classified as a Variant of Uncertain Significance.

Quest Diagnostics Nichols Institute San Juan Capistrano
Classification: Uncertain significance. Last evaluated: 2025-02-14. Review status: criteria provided, single submitter. Criteria: Quest Diagnostics criteria. Collection method: clinical testing. Allele origin: unknown.
Comment: The BRCA2 c.4802A>G (p.Asp1601Gly) variant has been reported in the published literature to be located in a region of the BRCA2 gene that is tolerant to missense sequence changes (PMID: 31911673 (2020)). To the best of our knowledge, this variant has not been reported in individuals with BRCA2-related disorders. The frequency of this variant in the general population (Genome Aggregation Database) is uninformative in the assessment of its pathogenicity. Analysis of this variant using bioinformatics tools for the prediction of the effect of amino acid changes on protein structure and function yielded predictions that this variant is benign. Additional analysis using software algorithms for the prediction of the effect of nucleotide changes on BRCA2 mRNA splicing yielded predictions that this variant may result in the gain of a cryptic splice site without affecting the natural splice sites. Based on the available information, we are unable to determine the clinical significance of this variant.

Ambry Genetics
Classification: Likely benign for Hereditary cancer-predisposing syndrome. Last evaluated: 2023-12-13. Review status: criteria provided, single submitter. Criteria: Ambry Variant Classification Scheme 2023. Collection method: clinical testing. Allele origin: germline.

University of Washington Department of Laboratory Medicine, University of Washington
Classification: Likely benign for Hereditary cancer-predisposing syndrome. Last evaluated: 2023-03-23. Review status: criteria provided, single submitter. Criteria: Dines et al. (Genet Med. 2020). Collection method: curation. Allele origin: germline.
Comment: Missense variant in a coldspot region where missense variants are very unlikely to be pathogenic (PMID:31911673).

BRCA2 exon 11 coldspot. Reclassification based on statistical prior probability.

GeneDx
Classification: Uncertain significance. Last evaluated: 2019-07-18. Review status: criteria provided, single submitter. Criteria: GeneDx Variant Classification Process June 2021. Collection method: clinical testing. Allele origin: germline. Affected: yes.
Comment: Not observed in large population cohorts (Lek et al., 2016); In silico analysis, which includes protein predictors and evolutionary conservation, supports a deleterious effect; Has not been previously published as pathogenic or benign to our knowledge

Breast Cancer Information Core (BIC) (BRCA2)
Classification: Uncertain significance for Breast-ovarian cancer, familial 2. Last evaluated: 2003-12-23. Review status: no assertion criteria provided. Collection method: clinical testing. Allele origin: germline. Affected: yes. Observed: 1 variant allele. Not counted in ClinVar's aggregate classification.

Literature cited by the submitters: PubMed 31911673 (cited by Quest Diagnostics Nichols Institute San Juan Capistrano).

NM_000059.4(BRCA2):c.4802A>G (p.Asp1601Gly)

Gene: BRCA2 (BRCA2 DNA repair associated; plus strand). Cytogenetic location: 13q13.1.
Variant type: single nucleotide variant.
Coding change: c.4802A>G on transcript NM_000059.4 (MANE Select); coding-DNA position 4802, A replaced by G.
Protein change: p.Asp1601Gly; replaces aspartic acid 1601 with glycine.
Molecular consequence: missense variant.
Genome position (GRCh38, 1-based): chr13:32,339,157, A>G. VCF-style: chr13-32339157-A-G. GRCh37 (hg19) VCF-style: chr13-32913294-A-G.
Other names: short protein forms D1601G.
Identifiers: ClinVar variation 51717 (VCV000051717.23), dbSNP rs80358704, ClinGen allele CA020852.